The following is an entry in ClinVar:

ClinVar aggregate classification (germline): Uncertain significance. Review status: criteria provided, multiple submitters, no conflicts (2 of 4 stars). 2 submissions from 2 submitters: Uncertain significance (2). Last evaluated 2023-02-27.

Conditions:
Hereditary cancer-predisposing syndrome. Also called: Neoplastic Syndromes, Hereditary; Tumor predisposition; Hereditary Cancer Syndrome; Hereditary neoplastic syndrome. Identifiers: Orphanet 140162, MedGen C0027672, MeSH D009386, MONDO:0015356.

Submissions (2):

Color Diagnostics, LLC DBA Color Health
Classification: Uncertain significance for Hereditary cancer-predisposing syndrome. Last evaluated: 2023-02-27. Review status: criteria provided, single submitter. Criteria: ACMG Guidelines, 2015. Collection method: clinical testing. Allele origin: germline.
Comment: This missense variant replaces leucine with isoleucine at codon 723 of the PMS2 protein. Computational prediction suggests that this variant may have deleterious impact on protein structure and function (internally defined REVEL score threshold >= 0.7, PMID: 27666373). To our knowledge, functional studies have not been reported for this variant. This variant has not been reported in individuals affected with PMS2-related disorders in the literature. This variant has not been identified in the general population by the Genome Aggregation Database (gnomAD). The available evidence is insufficient to determine the role of this variant in disease conclusively. Therefore, this variant is classified as a Variant of Uncertain Significance.

Ambry Genetics
Classification: Uncertain significance for Hereditary cancer-predisposing syndrome. Last evaluated: 2020-11-16. Review status: criteria provided, single submitter. Criteria: Ambry Variant Classification Scheme 2023. Collection method: clinical testing. Allele origin: germline.
Comment: The p.L723I variant (also known as c.2167C>A), located in coding exon 12 of the PMS2 gene, results from a C to A substitution at nucleotide position 2167. The leucine at codon 723 is replaced by isoleucine, an amino acid with highly similar properties. This amino acid position is highly conserved in available vertebrate species. In addition, this alteration is predicted to be deleterious by in silico analysis. Since supporting evidence is limited at this time, the clinical significance of this alteration remains unclear.

NM_000535.7(PMS2):c.2167C>A (p.Leu723Ile)

Gene: PMS2 (PMS1 homolog 2, mismatch repair system component; minus strand). Cytogenetic location: 7p22.1.
Variant type: single nucleotide variant.
Coding change: c.2167C>A on transcript NM_000535.7 (MANE Select); coding-DNA position 2167, C replaced by A.
Protein change: p.Leu723Ile; replaces leucine 723 with isoleucine.
Molecular consequence: missense variant. On other transcripts: non-coding transcript variant (1).
Genome position (GRCh38, 1-based): chr7:5,982,831, G>T on the plus strand (C>A on the coding strand, the complement: PMS2 is on the minus strand). VCF-style: chr7-5982831-G-T. GRCh37 (hg19) VCF-style: chr7-6022462-G-T.
Other names: c.1762C>A, p.Leu588Ile (NM_001018040.1, NM_001322003.2, NM_001322004.2 and 15 more transcripts); c.2011C>A, p.Leu671Ile (NM_001322006.2, NM_001406870.1); c.1849C>A, p.Leu617Ile (NM_001322007.2, NM_001322008.2, NM_001406876.1 and 1 more transcripts); c.1606C>A, p.Leu536Ile (NM_001322010.2, NM_001406906.1, NM_001406907.1); c.1234C>A, p.Leu412Ile (NM_001322011.2, NM_001322012.2); c.1594C>A, p.Leu532Ile (NM_001322013.2, NM_001406909.1); c.2167C>A, p.Leu723Ile (NM_001322014.2, NM_001406871.1); c.1858C>A, p.Leu620Ile (NM_001322015.2, NM_001406875.1, NM_001406877.1 and 5 more transcripts); and 13 more; short protein forms L322I, L552I, L615I, L617I, L657I, L687I, L731I, L536I.
Identifiers: ClinVar variation 1787003 (VCV001787003.4), dbSNP rs1456057054, ClinGen allele CA366737851.